The following is an entry in ClinVar:

NM_000426.4(LAMA2):c.8355_8356delinsAT (p.Asn2785_Arg2786delinsLysCys)

Genes: LAMA2 (laminin subunit alpha 2; plus strand), LOC126859784 (CDK7 strongly-dependent group 2 enhancer GRCh37_chr6:129822854-129824053; plus strand). Cytogenetic location: 6q22.33.
Variant type: Indel.
Coding change: c.8355_8356delinsAT on transcript NM_000426.4 (MANE Select); coding-DNA positions 8355 to 8356, CC replaced by AT.
Protein change: p.Asn2785_Arg2786delinsLysCys.
Molecular consequence: missense variant.
Genome position (GRCh38, 1-based): chr6:129,502,769-129,502,770, CC replaced by AT. VCF-style: chr6-129502769-CC-AT. GRCh37 (hg19) VCF-style: chr6-129823914-CC-AT.
Other names: c.8343_8344delinsAT, p.Asn2781_Arg2782delinsLysCys (NM_001079823.2).
Identifiers: ClinVar variation 1897694 (VCV001897694.5), dbSNP rs2533535669, ClinGen allele CA2580075011.
Genomic context (GRCh38, chr6:129,502,769, plus strand): 5'-GTTCGGGCTTTCAAGAAACAGTCACATTGCAATTGCATTTGATGACACCAAAGTTAAAAA[CC>AT]GGTATGTATCATCCTGAGACACTGGGAAAGAACCGATAAATGAAGAACTGAGTATTTGTG-3'

ClinVar aggregate classification (germline): Uncertain significance (1 of 4 stars; one submission).

Conditions:
LAMA2-related muscular dystrophy (LAMA2-RD). Also called: Laminin alpha 2-related dystrophy. Identifiers: MedGen C5679788, MONDO:0100228.

Submission:

Labcorp Genetics (formerly Invitae), Labcorp
Classification: Uncertain significance for LAMA2-related muscular dystrophy. Last evaluated: 2024-11-05. Review status: criteria provided, single submitter. Criteria: Invitae Variant Classification Sherloc (09022015). Collection method: clinical testing. Allele origin: germline.
Comment: This variant, c.8355_8356delinsAT, is a complex sequence change that results in the deletion of 2 and insertion of 2 amino acid(s) in the LAMA2 protein (p.Asn2785_Arg2786delinsLysCys). Information on the frequency of this variant in the gnomAD database is not available, as this variant may be reported differently in the database. This variant has not been reported in the literature in individuals affected with LAMA2-related conditions. ClinVar contains an entry for this variant (Variation ID: 1897694). Experimental studies and prediction algorithms are not available or were not evaluated, and the functional significance of this variant is currently unknown. In summary, the available evidence is currently insufficient to determine the role of this variant in disease. Therefore, it has been classified as a Variant of Uncertain Significance.